The following is an entry in ClinVar:

ClinVar aggregate classification (germline): Uncertain significance (1 of 4 stars; one submission).

Allele frequency attached by ClinVar (database versions not stated): ExAC 0.00001; 1000 Genomes Project 30x 0.00016; 1000 Genomes Project 0.00020.

Submission:

Labcorp Genetics (formerly Invitae), Labcorp
Classification: Uncertain significance. Last evaluated: 2021-08-26. Review status: criteria provided, single submitter. Criteria: Invitae Variant Classification Sherloc (09022015). Collection method: clinical testing. Allele origin: germline.
Comment: This sequence change replaces leucine with phenylalanine at codon 405 of the LAMA1 protein (p.Leu405Phe). The leucine residue is moderately conserved and there is a small physicochemical difference between leucine and phenylalanine. This variant is present in population databases (rs200500057, ExAC 0.002%). This variant has not been reported in the literature in individuals affected with LAMA1-related conditions. Algorithms developed to predict the effect of missense changes on protein structure and function output the following: SIFT: "Tolerated"; PolyPhen-2: "Benign"; Align-GVGD: "Class C0". The phenylalanine amino acid residue is found in multiple mammalian species, which suggests that this missense change does not adversely affect protein function. In summary, the available evidence is currently insufficient to determine the role of this variant in disease. Therefore, it has been classified as a Variant of Uncertain Significance.

NM_005559.4(LAMA1):c.1213C>T (p.Leu405Phe)

Gene: LAMA1 (laminin subunit alpha 1; minus strand). Cytogenetic location: 18p11.31.
Variant type: single nucleotide variant.
Coding change: c.1213C>T on transcript NM_005559.4 (MANE Select); coding-DNA position 1213, C replaced by T.
Protein change: p.Leu405Phe; replaces leucine 405 with phenylalanine.
Molecular consequence: missense variant.
Genome position (GRCh38, 1-based): chr18:7,042,193, G>A on the plus strand (C>T on the coding strand, the complement: LAMA1 is on the minus strand). VCF-style: chr18-7042193-G-A. GRCh37 (hg19) VCF-style: chr18-7042192-G-A.
Other names: short protein forms L405F.
Identifiers: ClinVar variation 1398021 (VCV001398021.5), dbSNP rs200500057, ClinGen allele CA8883063.
Genomic context (GRCh38, chr18:7,042,193, plus strand): 5'-TCAAGTACTTACCATTGTGTAAGTCAGAATGGAGGTCATCCTTAATACAGACAGAACTGA[G>A]GGACCCCACAGGGTCACAATTACAGGGGCGGCAAGGCTCATCCTCATAAGGAGACACCTG-3'
Protein context (NP_005550.2, residues 395-415): RPCNCDPVGS[Leu405Phe]SSVCIKDDLH